The following is an entry in ClinVar:

NM_003105.6(SORL1):c.4309G>A (p.Val1437Met)

Gene: SORL1 (sortilin related receptor 1; plus strand). Cytogenetic location: 11q24.1.
Variant type: single nucleotide variant.
Coding change: c.4309G>A on transcript NM_003105.6 (MANE Select); coding-DNA position 4309, G replaced by A.
Protein change: p.Val1437Met; replaces valine 1437 with methionine.
Molecular consequence: missense variant.
Genome position (GRCh38, 1-based): chr11:121,591,096, G>A. VCF-style: chr11-121591096-G-A. GRCh37 (hg19) VCF-style: chr11-121461805-G-A.
Other names: short protein forms V1437M.
Identifiers: ClinVar variation 1511076 (VCV001511076.6), dbSNP rs1446886998, ClinGen allele CA383033328.

ClinVar aggregate classification (germline): Uncertain significance (1 of 4 stars; one submission).

Allele frequency attached by ClinVar (database versions not stated): gnomAD exomes 0.00001.
gnomAD v4.1: 8 of 1,614,246 alleles (0.0005%); highest among the groups gnomAD compares: Non-Finnish European, 0.00068%; no homozygotes.

Submission:

Labcorp Genetics (formerly Invitae), Labcorp
Classification: Uncertain significance. Last evaluated: 2021-09-10. Review status: criteria provided, single submitter. Criteria: Invitae Variant Classification Sherloc (09022015). Collection method: clinical testing. Allele origin: germline.
Comment: In summary, the available evidence is currently insufficient to determine the role of this variant in disease. Therefore, it has been classified as a Variant of Uncertain Significance. Algorithms developed to predict the effect of missense changes on protein structure and function are either unavailable or do not agree on the potential impact of this missense change (SIFT: "Deleterious"; PolyPhen-2: "Probably Damaging"; Align-GVGD: "Class C0"). This variant has not been reported in the literature in individuals affected with SORL1-related conditions. This variant is not present in population databases (ExAC no frequency). This sequence change replaces valine with methionine at codon 1437 of the SORL1 protein (p.Val1437Met). The valine residue is highly conserved and there is a small physicochemical difference between valine and methionine.